The following is an entry in ClinVar:

Single allele

Genes: ARL8B (ARF like GTPase 8B; plus strand), ARPC4 (actin related protein 2/3 complex subunit 4; plus strand), ARPC4-TTLL3 (ARPC4-TTLL3 readthrough; plus strand), BHLHE40 (basic helix-loop-helix family member e40; plus strand), BRPF1 (bromodomain and PHD finger containing 1; plus strand) and 33 more. Cytogenetic location: 3p26.3-25.3.
Variant type: Deletion.
Identifiers: ClinVar variation 2671618 (VCV002671618.1).

ClinVar aggregate classification (germline): Pathogenic (1 of 4 stars; one submission).

Submission:

Illumina Laboratory Services, Illumina
Classification: Pathogenic. Last evaluated: 2023-04-03. Review status: criteria provided, single submitter. Criteria: ICSL CNVClassificationCriteria Aug2020. Collection method: clinical testing. Allele origin: unknown.
Comment: This CNV is a 9.9 Mb terminal deletion of 3p26.3-p25.3 on chromosome 3, (seq[GRCh37]del(3)(p26.3-p25.3); chr3:g.61435_9944653del), which is found in a de novo state. This CNV constitutes a deletion encompassing 36 protein coding genes, including the SETD5 gene, and overlaps the well-described 3p deletion syndrome. Similar deletions have been reported in affected individuals (PMID: 19760623; PMID: 33643973) and have not been described in controls. The clinical presentation may be dependent on the size and location of the deletion. Analysis into the critical regions causative for certain associated clinical features have produced several genes of interest, although their contributions are not well defined. Most deletions occur de novo or as part of an unbalanced translocation, but autosomal dominant inheritance has also been observed (PMID: 19760623; PMID: 25138099; PMID: 28402723; PMID: 33643973; PMID: 33936696). Based on the available evidence, this CNV is classified as pathogenic.